The following is an entry in ClinVar:

ClinVar aggregate classification (germline): Likely benign. Review status: criteria provided, multiple submitters, no conflicts (2 of 4 stars). 3 submissions from 3 submitters: Likely benign (3). Last evaluated 2026-01-15.

Conditions:
IMPG2-related disorder. Also called: IMPG2-related condition.

Allele frequency attached by ClinVar (database versions not stated): gnomAD exomes 0.00010 and 0.00040; gnomAD 0.00011 and 0.00018; TOPMed 0.00015; ExAC 0.00029; 1000 Genomes Project 30x 0.00172; 1000 Genomes Project 0.00200.
gnomAD v4.1: 188 of 1,614,116 alleles (0.012%); highest among the groups gnomAD compares: East Asian, 0.31%; 1 homozygote.

Submissions (3):

Labcorp Genetics (formerly Invitae), Labcorp
Classification: Likely benign. Last evaluated: 2026-01-15. Review status: criteria provided, single submitter. Criteria: Invitae Variant Classification Sherloc (09022015). Collection method: clinical testing. Allele origin: germline.

PreventionGenetics, part of Exact Sciences
Classification: Likely benign for IMPG2-related condition. Last evaluated: 2024-11-04. Review status: criteria provided, single submitter. Criteria: ACMG Guidelines, 2015. Collection method: clinical testing. Allele origin: germline.
Comment: This variant is classified as likely benign based on ACMG/AMP sequence variant interpretation guidelines (Richards et al. 2015 PMID: 25741868, with internal and published modifications).

Blueprint Genetics
Classification: Likely benign. Last evaluated: 2024-05-20. Review status: criteria provided, single submitter. Criteria: ACMG Guidelines, 2015. Collection method: clinical testing. Allele origin: germline.

NM_016247.4(IMPG2):c.2638G>A (p.Val880Met)

Gene: IMPG2 (interphotoreceptor matrix proteoglycan 2; minus strand). Cytogenetic location: 3q12.3.
Variant type: single nucleotide variant.
Coding change: c.2638G>A on transcript NM_016247.4 (MANE Select); coding-DNA position 2638, G replaced by A.
Protein change: p.Val880Met; replaces valine 880 with methionine.
Molecular consequence: missense variant.
Genome position (GRCh38, 1-based): chr3:101,243,693, C>T on the plus strand (G>A on the coding strand, the complement: IMPG2 is on the minus strand). VCF-style: chr3-101243693-C-T. GRCh37 (hg19) VCF-style: chr3-100962537-C-T.
Other names: c.2638G>A (NM_016247.3); short protein forms V880M.
Identifiers: ClinVar variation 1130519 (VCV001130519.11), dbSNP rs182124594, ClinGen allele CA2518935.
Genomic context (GRCh38, chr3:101,243,693, plus strand): 5'-CCAAAGCTCCTGAAGTCTGGGTATAACTCAAGTCATCTCCTCCTTCTGTGGGCCAAGCCA[C>T]ACTAACCATCTCTGTGGAGTGAACACTTGTTGACATTTCCACATAACTACCAACCTTGCC-3'
Protein context (NP_057331.2, residues 870-890): TSVHSTEMVS[Val880Met]AWPTEGGDDL